The following is an entry in ClinVar:

ClinVar aggregate classification (germline): Conflicting classifications of pathogenicity. Review status: criteria provided, conflicting classifications (1 of 4 stars). 7 submissions from 7 submitters: Uncertain significance (6); Likely benign (1). Last evaluated 2025-11-27.

Conditions:
Xanthinuria type II. Also called: Xanthine dehydrogenase and aldehyde oxidase combined deficiency of; XDH and AOX dual deficiency. Identifiers: Orphanet 3467, Orphanet 93602, MedGen C1863688, MONDO:0011346, OMIM 603592.
Hereditary xanthinuria type 1 (XAN1). Identifiers: Orphanet 3467, Orphanet 93601, MedGen C0268118, MONDO:0010209, OMIM 278300.
Inborn genetic diseases. Identifiers: MedGen C0950123, MeSH D030342.

Allele frequency attached by ClinVar (database versions not stated): ExAC 0.00029; gnomAD 0.00029 and 0.00030; gnomAD exomes 0.00030; ESP Exome Variant Server 0.00038; TOPMed 0.00051.
gnomAD v4.1: 349 of 1,614,082 alleles (0.022%); highest among the groups gnomAD compares: Admixed American, 0.04%; no homozygotes.

Submissions (7):

Labcorp Genetics (formerly Invitae), Labcorp
Classification: Uncertain significance for Xanthinuria type II. Last evaluated: 2025-11-27. Review status: criteria provided, single submitter. Criteria: Invitae Variant Classification Sherloc (09022015). Collection method: clinical testing. Allele origin: germline.
Comment: This sequence change replaces arginine, which is basic and polar, with glutamine, which is neutral and polar, at codon 787 of the XDH protein (p.Arg787Gln). This variant is present in population databases (rs149717617, gnomAD 0.05%). This variant has not been reported in the literature in individuals affected with XDH-related conditions. ClinVar contains an entry for this variant (Variation ID: 850229). An algorithm developed to predict the effect of missense changes on protein structure and function (PolyPhen-2) suggests that this variant is likely to be disruptive. In summary, the available evidence is currently insufficient to determine the role of this variant in disease. Therefore, it has been classified as a Variant of Uncertain Significance.

GeneDx
Classification: Uncertain significance. Last evaluated: 2025-01-07. Review status: criteria provided, single submitter. Criteria: GeneDx Variant Classification Process June 2021. Collection method: clinical testing. Allele origin: germline. Affected: yes.
Comment: In silico analysis supports that this missense variant has a deleterious effect on protein structure/function; Has not been previously published as pathogenic or benign to our knowledge

Blueprint Genetics
Classification: Uncertain significance. Last evaluated: 2024-11-26. Review status: criteria provided, single submitter. Criteria: ACMG Guidelines, 2015. Collection method: clinical testing. Allele origin: germline.

Fulgent Genetics
Classification: Uncertain significance for Hereditary xanthinuria type 1. Last evaluated: 2024-05-01. Review status: criteria provided, single submitter. Criteria: ACMG Guidelines, 2015. Collection method: clinical testing. Allele origin: germline.

CeGaT Center for Human Genetics Tuebingen
Classification: Likely benign. Last evaluated: 2024-02-01. Review status: criteria provided, single submitter. Criteria: CeGaT Center For Human Genetics Tuebingen Variant Classification Criteria Version 2. Collection method: clinical testing. Allele origin: germline. Affected: yes. Observed: 1 variant allele.
Comment: XDH: BS1

Ambry Genetics
Classification: Uncertain significance for Inborn genetic diseases. Last evaluated: 2021-12-07. Review status: criteria provided, single submitter. Criteria: Ambry Variant Classification Scheme 2023. Collection method: clinical testing. Allele origin: germline.

Illumina Laboratory Services, Illumina
Classification: Uncertain significance for Hereditary xanthinuria type 1. Last evaluated: 2018-01-13. Review status: criteria provided, single submitter. Criteria: ICSL Variant Classification Criteria 13 December 2019. Collection method: clinical testing. Allele origin: germline.

NM_000379.4(XDH):c.2360G>A (p.Arg787Gln)

Gene: XDH (xanthine dehydrogenase; minus strand). Cytogenetic location: 2p23.1.
Variant type: single nucleotide variant.
Coding change: c.2360G>A on transcript NM_000379.4 (MANE Select); coding-DNA position 2360, G replaced by A.
Protein change: p.Arg787Gln; replaces arginine 787 with glutamine.
Molecular consequence: missense variant.
Genome position (GRCh38, 1-based): chr2:31,366,072, C>T on the plus strand (G>A on the coding strand, the complement: XDH is on the minus strand). VCF-style: chr2-31366072-C-T. GRCh37 (hg19) VCF-style: chr2-31588938-C-T.
Other names: short protein forms R787Q.
Identifiers: ClinVar variation 850229 (VCV000850229.37), dbSNP rs149717617, ClinGen allele CA1598849.